The following is an entry in ClinVar:

NM_004423.4(DVL3):c.807C>T (p.Asn269=)

Gene: DVL3 (dishevelled segment polarity protein 3; plus strand). Cytogenetic location: 3q27.1.
Variant type: single nucleotide variant.
Coding change: c.807C>T on transcript NM_004423.4 (MANE Select); coding-DNA position 807, C replaced by T.
Protein change: p.Asn269=; no amino-acid change (asparagine 269 retained).
Molecular consequence: synonymous variant.
Genome position (GRCh38, 1-based): chr3:184,166,169, C>T. VCF-style: chr3-184166169-C-T. GRCh37 (hg19) VCF-style: chr3-183883957-C-T.
Identifiers: ClinVar variation 797522 (VCV000797522.10), dbSNP rs138011240, ClinGen allele CA2727248.

ClinVar aggregate classification (germline): Benign. Review status: criteria provided, multiple submitters, no conflicts (2 of 4 stars). 3 submissions from 3 submitters: Benign (2). 1 of the submissions does not count toward it. Last evaluated 2025-11-16.

Conditions:
DVL3-related disorder. Also called: DVL3-related condition.

Allele frequency attached by ClinVar (database versions not stated): gnomAD exomes 0.00003 and 0.00010; ExAC 0.00015; TOPMed 0.00051; gnomAD 0.00052 and 0.00058; ESP Exome Variant Server 0.00085.
gnomAD v4.1: 135 of 1,613,688 alleles (0.0084%); highest among the groups gnomAD compares: African/African-American, 0.14%; 1 homozygote.

Submissions (3):

Labcorp Genetics (formerly Invitae), Labcorp
Classification: Benign. Last evaluated: 2025-11-16. Review status: criteria provided, single submitter. Criteria: Invitae Variant Classification Sherloc (09022015). Collection method: clinical testing. Allele origin: germline.

Breakthrough Genomics
Classification: Benign. Review status: criteria provided, single submitter. Criteria: ACMG Guidelines, 2015. Collection method: not provided. Allele origin: germline. Inheritance: Autosomal dominant inheritance. Affected: yes.

PreventionGenetics, part of Exact Sciences
Classification: Likely benign for DVL3-related condition. Last evaluated: 2019-04-05. Review status: no assertion criteria provided. Collection method: clinical testing. Allele origin: germline. Not counted in ClinVar's aggregate classification.
Comment: This variant is classified as likely benign based on ACMG/AMP sequence variant interpretation guidelines (Richards et al. 2015 PMID: 25741868, with internal and published modifications).